The following is an entry in ClinVar:

NM_181507.2(HPS5):c.986-5C>G

Gene: HPS5 (HPS5 biogenesis of lysosomal organelles complex 2 subunit 2; minus strand). Cytogenetic location: 11p15.1.
Variant type: single nucleotide variant.
Coding change: c.986-5C>G on transcript NM_181507.2 (MANE Select); 5 bases into the intron before coding-DNA position 986, C replaced by G.
Molecular consequence: intron variant.
Genome position (GRCh38, 1-based): chr11:18,298,975, G>C on the plus strand (C>G on the coding strand, the complement: HPS5 is on the minus strand). VCF-style: chr11-18298975-G-C. GRCh37 (hg19) VCF-style: chr11-18320522-G-C.
Other names: c.572-5C>G (NM_001440929.1, NM_001440928.1, NM_001440927.1); c.644-5C>G (NM_181508.2, NM_001440921.1, NM_001440926.1 and 7 more transcripts); c.875-5C>G (NM_001440915.1, NM_001440914.1, NM_001440913.1); c.986-5C>G (NM_001440931.1, NM_001440917.1, NM_001440906.1 and 5 more transcripts); c.911-5C>G (NM_001440907.1, NM_001440909.1, NM_001440908.1); c.773-5C>G (NM_001440919.1); c.800-5C>G (NM_001440918.1).
Identifiers: ClinVar variation 3613295 (VCV003613295.2).

ClinVar aggregate classification (germline): Uncertain significance (1 of 4 stars; one submission).

gnomAD v4.1: 1 of 1,613,898 alleles (0.000062%); highest among the groups gnomAD compares: Admixed American, 0.0017%; no homozygotes.

Submission:

Labcorp Genetics (formerly Invitae), Labcorp
Classification: Uncertain significance. Last evaluated: 2024-09-11. Review status: criteria provided, single submitter. Criteria: Invitae Variant Classification Sherloc (09022015). Collection method: clinical testing. Allele origin: germline.
Comment: This sequence change falls in intron 9 of the HPS5 gene. It does not directly change the encoded amino acid sequence of the HPS5 protein. This variant is present in population databases (no rsID available, gnomAD 0.003%). This variant has not been reported in the literature in individuals affected with HPS5-related conditions. Algorithms developed to predict the effect of sequence changes on RNA splicing suggest that this variant may disrupt the consensus splice site. In summary, the available evidence is currently insufficient to determine the role of this variant in disease. Therefore, it has been classified as a Variant of Uncertain Significance.